The following is an entry in ClinVar:

NM_025233.7(COASY):c.434C>T (p.Pro145Leu)

Gene: COASY (Coenzyme A synthase; plus strand). Cytogenetic location: 17q21.2.
Variant type: single nucleotide variant.
Coding change: c.434C>T on transcript NM_025233.7 (MANE Select); coding-DNA position 434, C replaced by T.
Protein change: p.Pro145Leu; replaces proline 145 with leucine.
Molecular consequence: missense variant.
Genome position (GRCh38, 1-based): chr17:42,563,056, C>T. VCF-style: chr17-42563056-C-T. GRCh37 (hg19) VCF-style: chr17-40715074-C-T.
Other names: c.434C>T, p.Pro145Leu (NM_001042529.3); c.521C>T, p.Pro174Leu (NM_001042532.4); short protein forms P174L, P145L.
Identifiers: ClinVar variation 1489463 (VCV001489463.5), dbSNP rs769005486, ClinGen allele CA8577979.

ClinVar aggregate classification (germline): Uncertain significance (1 of 4 stars; one submission).

Conditions:
Neurodegeneration with brain iron accumulation 6 (NBIA6). Also called: COASY protein-associated neurodegeneration. Identifiers: Orphanet 397725, MedGen C4517377, MONDO:0014290, OMIM 615643.

Allele frequency attached by ClinVar (database versions not stated): gnomAD exomes 0.00001 and 0.00002; TOPMed 0.00001; ExAC 0.00004.
gnomAD v4.1: 7 of 1,613,998 alleles (0.00043%); highest among the groups gnomAD compares: Admixed American, 0.01%; no homozygotes.

Submission:

Labcorp Genetics (formerly Invitae), Labcorp
Classification: Uncertain significance for Neurodegeneration with brain iron accumulation 6. Last evaluated: 2022-08-22. Review status: criteria provided, single submitter. Criteria: Invitae Variant Classification Sherloc (09022015). Collection method: clinical testing. Allele origin: germline.
Comment: This sequence change replaces proline, which is neutral and non-polar, with leucine, which is neutral and non-polar, at codon 145 of the COASY protein (p.Pro145Leu). This variant is present in population databases (rs769005486, gnomAD 0.02%). This variant has not been reported in the literature in individuals affected with COASY-related conditions. ClinVar contains an entry for this variant (Variation ID: 1489463). Algorithms developed to predict the effect of missense changes on protein structure and function are either unavailable or do not agree on the potential impact of this missense change (SIFT: "Tolerated"; PolyPhen-2: "Possibly Damaging"; Align-GVGD: "Class C0"). In summary, the available evidence is currently insufficient to determine the role of this variant in disease. Therefore, it has been classified as a Variant of Uncertain Significance.